The following is an entry in ClinVar:

NM_014813.3(LRIG2):c.1792G>T (p.Val598Leu)

Gene: LRIG2 (leucine rich repeats and immunoglobulin like domains 2; plus strand). Cytogenetic location: 1p13.2.
Variant type: single nucleotide variant.
Coding change: c.1792G>T on transcript NM_014813.3 (MANE Select); coding-DNA position 1792, G replaced by T.
Protein change: p.Val598Leu; replaces valine 598 with leucine.
Molecular consequence: missense variant.
Genome position (GRCh38, 1-based): chr1:113,110,556, G>T. VCF-style: chr1-113110556-G-T. GRCh37 (hg19) VCF-style: chr1-113653178-G-T.
Other names: c.1483G>T, p.Val495Leu (NM_001312686.2); short protein forms V495L, V598L.
Identifiers: ClinVar variation 715246 (VCV000715246.26), dbSNP rs61752502, ClinGen allele CA1012074.
Genomic context (GRCh38, chr1:113,110,556, plus strand): 5'-TATCAGTGTATTGTTACTAATCACTTTGGTTCTAATTATTCTCAGAAAGCCAAACTGACT[G>T]TAAATGGTAAGGAATTATGCTCCTTGATTTTTTTTAGTTTAGAAGGATTTTTCATGTTCA-3'
Protein context (NP_055628.1, residues 588-608): SNYSQKAKLT[Val598Leu]NEMPSFLKTP

ClinVar aggregate classification (germline): Benign/Likely benign. Review status: criteria provided, multiple submitters, no conflicts (2 of 4 stars). 5 submissions from 5 submitters: Benign (3); Likely benign (2). Last evaluated 2024-12-20.

Conditions:
LRIG2-related disorder. Also called: LRIG2-related condition.

Allele frequency attached by ClinVar (database versions not stated): ESP Exome Variant Server 0.00177; gnomAD 0.00229; TOPMed 0.00320; 1000 Genomes Project 30x 0.00468; 1000 Genomes Project 0.00479.
gnomAD v4.1: 859 of 1,598,768 alleles (0.054%); highest among the groups gnomAD compares: African/African-American, 0.84%; 6 homozygotes.

Submissions (5):

PreventionGenetics, part of Exact Sciences
Classification: Benign for LRIG2-related condition. Last evaluated: 2024-12-20. Review status: criteria provided, single submitter. Criteria: ACMG Guidelines, 2015. Collection method: clinical testing. Allele origin: germline.
Comment: This variant is classified as benign based on ACMG/AMP sequence variant interpretation guidelines (Richards et al. 2015 PMID: 25741868, with internal and published modifications).

Blueprint Genetics
Classification: Likely benign. Last evaluated: 2024-11-11. Review status: criteria provided, single submitter. Criteria: ACMG Guidelines, 2015. Collection method: clinical testing. Allele origin: germline.

CeGaT Center for Human Genetics Tuebingen
Classification: Likely benign. Last evaluated: 2024-05-01. Review status: criteria provided, single submitter. Criteria: CeGaT Center For Human Genetics Tuebingen Variant Classification Criteria Version 2. Collection method: clinical testing. Allele origin: germline. Affected: yes. Observed: 1 variant allele.
Comment: LRIG2: BS2

Labcorp Genetics (formerly Invitae), Labcorp
Classification: Benign. Last evaluated: 2019-12-31. Review status: criteria provided, single submitter. Criteria: Invitae Variant Classification Sherloc (09022015). Collection method: clinical testing. Allele origin: germline.

Breakthrough Genomics
Classification: Benign. Review status: criteria provided, single submitter. Criteria: ACMG Guidelines, 2015. Collection method: not provided. Allele origin: germline. Inheritance: Autosomal recessive inheritance. Affected: yes.